The following is an entry in ClinVar:

ClinVar aggregate classification (germline): Uncertain significance. Review status: criteria provided, multiple submitters, no conflicts (2 of 4 stars). 3 submissions from 3 submitters: Uncertain significance (2). 1 of the submissions does not count toward it. Last evaluated 2024-02-04.

Conditions:
COL4A1-related disorder. Also called: COL4A1-related condition; COL4A1-related disorders. Identifiers: MedGen CN376119, MONDO:0800461.

Allele frequency attached by ClinVar (database versions not stated): gnomAD exomes below 0.00001; ExAC 0.00001; gnomAD 0.00001; 1000 Genomes Project 30x 0.00016; 1000 Genomes Project 0.00020.
gnomAD v4.1: 7 of 1,614,148 alleles (0.00043%); highest among the groups gnomAD compares: African/African-American, 0.0013%; no homozygotes.

Submissions (3):

Labcorp Genetics (formerly Invitae), Labcorp
Classification: Uncertain significance. Last evaluated: 2024-02-04. Review status: criteria provided, single submitter. Criteria: Invitae Variant Classification Sherloc (09022015). Collection method: clinical testing. Allele origin: germline.
Comment: This sequence change replaces valine, which is neutral and non-polar, with isoleucine, which is neutral and non-polar, at codon 765 of the COL4A1 protein (p.Val765Ile). This variant is present in population databases (rs200687263, gnomAD 0.007%). This variant has not been reported in the literature in individuals affected with COL4A1-related conditions. Algorithms developed to predict the effect of missense changes on protein structure and function output the following: SIFT: "Not Available"; PolyPhen-2: "Benign"; Align-GVGD: "Not Available". The isoleucine amino acid residue is found in multiple mammalian species, which suggests that this missense change does not adversely affect protein function. In summary, the available evidence is currently insufficient to determine the role of this variant in disease. Therefore, it has been classified as a Variant of Uncertain Significance.

GeneDx
Classification: Uncertain significance. Last evaluated: 2023-11-21. Review status: criteria provided, single submitter. Criteria: GeneDx Variant Classification Process June 2021. Collection method: clinical testing. Allele origin: germline. Affected: yes.
Comment: Not observed at significant frequency in large population cohorts (gnomAD); In silico analysis supports that this missense variant does not alter protein structure/function; Has not been previously published as pathogenic or benign to our knowledge

PreventionGenetics, part of Exact Sciences
Classification: Uncertain significance for COL4A1-related condition. Last evaluated: 2024-02-09. Review status: no assertion criteria provided. Collection method: clinical testing. Allele origin: germline. Not counted in ClinVar's aggregate classification.
Comment: The COL4A1 c.2293G>A variant is predicted to result in the amino acid substitution p.Val765Ile. To our knowledge, this variant has not been reported in the literature. This variant is reported in 0.0062% of alleles in individuals of African descent in gnomAD. At this time, the clinical significance of this variant is uncertain due to the absence of conclusive functional and genetic evidence.

NM_001845.6(COL4A1):c.2293G>A (p.Val765Ile)

Gene: COL4A1 (collagen type IV alpha 1 chain; minus strand). Cytogenetic location: 13q34.
Variant type: single nucleotide variant.
Coding change: c.2293G>A on transcript NM_001845.6 (MANE Select); coding-DNA position 2293, G replaced by A.
Protein change: p.Val765Ile; replaces valine 765 with isoleucine.
Molecular consequence: missense variant.
Genome position (GRCh38, 1-based): chr13:110,179,322, C>T on the plus strand (G>A on the coding strand, the complement: COL4A1 is on the minus strand). VCF-style: chr13-110179322-C-T. GRCh37 (hg19) VCF-style: chr13-110831669-C-T.
Other names: c.2293G>A (NM_001845.5, NM_001845.4); short protein forms V765I.
Identifiers: ClinVar variation 2723801 (VCV002723801.6), dbSNP rs200687263, ClinGen allele CA7047645.
Genomic context (GRCh38, chr13:110,179,322, plus strand): 5'-TGAAGTTACCTCTGATCCCCTGAAGCCCAGGGGGTCCGATCGCTCCATGTTCTCCAGGAA[C>T]GCCTGGTACCCCAATGCTCCCCTTCTCCCCGGGTGTGCCAGGAATGCCGGGAAGACCTGG-3'
Protein context (NP_001836.3, residues 755-775): GEKGSIGVPG[Val765Ile]PGEHGAIGPP